The following is an entry in ClinVar:

ClinVar aggregate classification (germline): Likely benign (1 of 4 stars; one submission).

Allele frequency attached by ClinVar (database versions not stated): ExAC 0.00016; gnomAD 0.00016; gnomAD exomes 0.00017; TOPMed 0.00019; 1000 Genomes Project 30x 0.00047; 1000 Genomes Project 0.00060.
gnomAD v4.1: 254 of 1,548,234 alleles (0.016%); highest among the groups gnomAD compares: East Asian, 0.58%; no homozygotes.

Submission:

CeGaT Center for Human Genetics Tuebingen
Classification: Likely benign. Last evaluated: 2023-10-01. Review status: criteria provided, single submitter. Criteria: CeGaT Center For Human Genetics Tuebingen Variant Classification Criteria Version 2. Collection method: clinical testing. Allele origin: germline. Affected: yes. Observed: 1 variant allele.
Comment: IQSEC1: BP4, BP7

NM_001134382.3(IQSEC1):c.3078G>A (p.Gly1026=)

Gene: IQSEC1 (IQ motif and Sec7 domain ArfGEF 1; minus strand). Cytogenetic location: 3p25.2.
Variant type: single nucleotide variant.
Coding change: c.3078G>A on transcript NM_001134382.3 (MANE Select); coding-DNA position 3078, G replaced by A.
Protein change: p.Gly1026=; no amino-acid change (glycine 1026 retained).
Molecular consequence: synonymous variant. On other transcripts: 3 prime UTR variant (1), intron variant (1).
Genome position (GRCh38, 1-based): chr3:12,901,250, C>T on the plus strand (G>A on the coding strand, the complement: IQSEC1 is on the minus strand). VCF-style: chr3-12901250-C-T. GRCh37 (hg19) VCF-style: chr3-12942749-C-T.
Other names: c.*259G>A (NM_001330619.3); c.3402G>A, p.Gly1134= (NM_001376938.2); c.2847+1523G>A (NM_014869.8).
Identifiers: ClinVar variation 2653549 (VCV002653549.24), dbSNP rs375583511, ClinGen allele CA2261760.
Genomic context (GRCh38, chr3:12,901,250, plus strand): 5'-GTGGTGGTGGTGATGGTGGTACGGGGGAGGGTTCTGCATGTGGCAGTACTGGGTGTGATG[C>T]CCGTGCATGGCGGCCTGCGGCAGCCCCTCTGGGGGCCCCAGGTGGTGGCCAGCCACAGAG-3'
Protein context (NP_001127854.1, residues 1016-1036): PEGLPQAAMH[Gly1026=]HHTQYCHMQN